The following is an entry in ClinVar:

NM_000540.3(RYR1):c.9250G>A (p.Gly3084Ser)

Gene: RYR1 (ryanodine receptor 1; plus strand). Cytogenetic location: 19q13.2.
Variant type: single nucleotide variant.
Coding change: c.9250G>A on transcript NM_000540.3 (MANE Select); coding-DNA position 9250, G replaced by A.
Protein change: p.Gly3084Ser; replaces glycine 3084 with serine.
Molecular consequence: missense variant.
Genome position (GRCh38, 1-based): chr19:38,512,261, G>A. VCF-style: chr19-38512261-G-A. GRCh37 (hg19) VCF-style: chr19-39002901-G-A.
Other names: c.9250G>A, p.Gly3084Ser (NM_001042723.2); short protein forms G3084S.
Identifiers: ClinVar variation 2054726 (VCV002054726.7), dbSNP rs1171171678, ClinGen allele CA405686126.

ClinVar aggregate classification (germline): Uncertain significance. Review status: criteria provided, multiple submitters, no conflicts (2 of 4 stars). 6 submissions from 6 submitters: Uncertain significance (6). Last evaluated 2025-06-03.

Conditions:
Inborn genetic diseases. Identifiers: MedGen C0950123, MeSH D030342.
Malignant hyperthermia, susceptibility to, 1 (MHS1). Also called: Anesthesia related hyperthermia; Malignant hyperpyrexia; Fulminating hyperpyrexia; Pharmacogenic myopathy; RYR1-Related Malignant Hyperthermia Susceptibility; Malignant hyperthermia suceptibility 1. Identifiers: Orphanet 423, MedGen C2930980, MONDO:0007783, OMIM 145600.
RYR1-related disorder. Also called: RYR1-related condition; RYR1-related disorders. Identifiers: MedGen CN239331.

Allele frequency attached by ClinVar (database versions not stated): gnomAD 0.00001; TOPMed 0.00003.
gnomAD v4.1: 2 of 1,614,120 alleles (0.00012%); highest among the groups gnomAD compares: East Asian, 0.0022%; no homozygotes.

Submissions (6):

Color Diagnostics, LLC DBA Color Health
Classification: Uncertain significance for Malignant hyperthermia, susceptibility to, 1. Last evaluated: 2025-06-03. Review status: criteria provided, single submitter. Criteria: ACMG Guidelines, 2015. Collection method: clinical testing. Allele origin: germline.
Comment: This missense variant replaces glycine with serine at codon 3084 of the RYR1 protein. Computational prediction is inconclusive regarding the impact of this variant on protein structure and function. To our knowledge, functional studies have not been reported for this variant. This variant has not been reported in individuals affected with RYR1-related disorders in the literature. This variant has been identified in 1/31392 chromosomes in the general population by the Genome Aggregation Database (gnomAD). The available evidence is insufficient to determine the role of this variant in disease conclusively. Therefore, this variant is classified as a Variant of Uncertain Significance.

All of Us Research Program, National Institutes of Health
Classification: Uncertain significance for Malignant hyperthermia, susceptibility to, 1. Last evaluated: 2023-12-01. Review status: criteria provided, single submitter. Criteria: ACMG Guidelines, 2015. Collection method: clinical testing. Allele origin: germline. Inheritance: Autosomal dominant inheritance. Observed: 1 variant allele, 1 heterozygote.
Comment: This study involves interpretation of variants in research participants for the purpose of population health screening. Participant phenotype was not available at the time of variant classification. Additional details can be found in publication PMID: 35346344, PMCID: PMC8962531

Ambry Genetics
Classification: Uncertain significance for Inborn genetic diseases. Last evaluated: 2023-07-11. Review status: criteria provided, single submitter. Criteria: Ambry Variant Classification Scheme 2023. Collection method: clinical testing. Allele origin: germline.

PreventionGenetics, part of Exact Sciences
Classification: Uncertain significance for RYR1-related condition. Last evaluated: 2023-02-27. Review status: criteria provided, single submitter. Criteria: ACMG Guidelines, 2015. Collection method: clinical testing. Allele origin: germline.
Comment: The RYR1 c.9250G>A variant is predicted to result in the amino acid substitution p.Gly3084Ser. To our knowledge, this variant has not been reported in the literature. This variant is reported in 0.011% of alleles in individuals of African descent in gnomAD. At this time, the clinical significance of this variant is uncertain due to the absence of conclusive functional and genetic evidence.

Athena Diagnostics
Classification: Uncertain significance. Last evaluated: 2022-09-28. Review status: criteria provided, single submitter. Criteria: Athena Diagnostics Criteria. Collection method: clinical testing. Allele origin: unknown.
Comment: Available data are insufficient to determine the clinical significance of the variant at this time. The frequency of this variant in the general population is uninformative in assessment of its pathogenicity. Computational tools predict that this variant is damaging.

Labcorp Genetics (formerly Invitae), Labcorp
Classification: Uncertain significance for RYR1-related disorder. Last evaluated: 2022-08-24. Review status: criteria provided, single submitter. Criteria: Invitae Variant Classification Sherloc (09022015). Collection method: clinical testing. Allele origin: germline.
Comment: This sequence change replaces glycine, which is neutral and non-polar, with serine, which is neutral and polar, at codon 3084 of the RYR1 protein (p.Gly3084Ser). This variant is present in population databases (no rsID available, gnomAD 0.01%). This variant has not been reported in the literature in individuals affected with RYR1-related conditions. Advanced modeling of protein sequence and biophysical properties (such as structural, functional, and spatial information, amino acid conservation, physicochemical variation, residue mobility, and thermodynamic stability) performed at Invitae indicates that this missense variant is not expected to disrupt RYR1 protein function. In summary, the available evidence is currently insufficient to determine the role of this variant in disease. Therefore, it has been classified as a Variant of Uncertain Significance.